The following is an entry in ClinVar:

ClinVar aggregate classification (germline): Uncertain significance (1 of 4 stars; one submission).

Submission:

Ambry Genetics
Classification: Uncertain significance. Last evaluated: 2021-04-19. Review status: criteria provided, single submitter. Criteria: Ambry Variant Classification Scheme 2023. Collection method: clinical testing. Allele origin: germline.
Comment: The p.A446T variant (also known as c.1336G>A), located in coding exon 10 of the RINT1 gene, results from a G to A substitution at nucleotide position 1336. The alanine at codon 446 is replaced by threonine, an amino acid with similar properties. This amino acid position is highly conserved in available vertebrate species. In addition, the in silico prediction for this alteration is inconclusive. Since supporting evidence is limited at this time, the clinical significance of this alteration remains unclear.

NM_021930.6(RINT1):c.1336G>A (p.Ala446Thr)

Gene: RINT1 (RAD50 interactor 1; plus strand). Cytogenetic location: 7q22.3.
Variant type: single nucleotide variant.
Coding change: c.1336G>A on transcript NM_021930.6 (MANE Select); coding-DNA position 1336, G replaced by A.
Protein change: p.Ala446Thr; replaces alanine 446 with threonine.
Molecular consequence: missense variant. On other transcripts: non-coding transcript variant (1).
Genome position (GRCh38, 1-based): chr7:105,551,572, G>A. VCF-style: chr7-105551572-G-A. GRCh37 (hg19) VCF-style: chr7-105192019-G-A.
Other names: c.1102G>A, p.Ala368Thr (NM_001346599.2); c.313G>A, p.Ala105Thr (NM_001346600.2, NM_001346603.2); c.412G>A, p.Ala138Thr (NM_001346601.2); short protein forms A368T, A105T, A138T, A446T.
Identifiers: ClinVar variation 1770246 (VCV001770246.2), dbSNP rs2485136779, ClinGen allele CA368809593.